The following is an entry in ClinVar:

ClinVar aggregate classification (germline): Benign/Likely benign. Review status: criteria provided, multiple submitters, no conflicts (2 of 4 stars). 2 submissions from 2 submitters: Benign (1); Likely benign (1). Last evaluated 2025-06-10.

Conditions:
Hereditary cancer-predisposing syndrome. Also called: Neoplastic Syndromes, Hereditary; Tumor predisposition; Hereditary Cancer Syndrome; Hereditary neoplastic syndrome. Identifiers: Orphanet 140162, MedGen C0027672, MeSH D009386, MONDO:0015356.
Melanoma, cutaneous malignant, susceptibility to, 3. Also called: Cutaneous malignant melanoma 3. Identifiers: Orphanet 618, MedGen C1836892, MONDO:0012183, OMIM 609048.

gnomAD v4.1: 1 of 1,614,114 alleles (0.000062%); highest among the groups gnomAD compares: Non-Finnish European, 0.000085%; no homozygotes.

Submissions (2):

Ambry Genetics
Classification: Likely benign for Hereditary cancer-predisposing syndrome. Last evaluated: 2025-06-10. Review status: criteria provided, single submitter. Criteria: Ambry Variant Classification Scheme 2023. Collection method: clinical testing. Allele origin: germline.

Myriad Genetics, Inc.
Classification: Benign for Melanoma, cutaneous malignant, susceptibility to, 3. Last evaluated: 2024-09-24. Review status: criteria provided, single submitter. Criteria: Myriad Autosomal Dominant, Autosomal Recessive and X-Linked Classification Criteria (2023). Collection method: clinical testing. Allele origin: unknown.
Comment: This variant is considered benign. This variant is a silent/synonymous amino acid change and it is not expected to impact splicing.

NM_000075.4(CDK4):c.9C>G (p.Thr3=)

Gene: CDK4 (cyclin dependent kinase 4; minus strand). Cytogenetic location: 12q14.1.
Variant type: single nucleotide variant.
Coding change: c.9C>G on transcript NM_000075.4 (MANE Select); coding-DNA position 9, C replaced by G.
Protein change: p.Thr3=; no amino-acid change (threonine 3 retained).
Molecular consequence: synonymous variant.
Genome position (GRCh38, 1-based): chr12:57,751,709, G>C on the plus strand (C>G on the coding strand, the complement: CDK4 is on the minus strand). VCF-style: chr12-57751709-G-C. GRCh37 (hg19) VCF-style: chr12-58145492-G-C.
Other names: c.9C>G (NM_000075.3).
Identifiers: ClinVar variation 3378918 (VCV003378918.2).